The following is an entry in ClinVar:

NM_020975.6(RET):c.1377G>T (p.Glu459Asp)

Gene: RET (ret proto-oncogene; plus strand). Cytogenetic location: 10q11.21.
Variant type: single nucleotide variant.
Coding change: c.1377G>T on transcript NM_020975.6 (MANE Select); coding-DNA position 1377, G replaced by T.
Protein change: p.Glu459Asp; replaces glutamic acid 459 with aspartic acid.
Molecular consequence: missense variant.
Genome position (GRCh38, 1-based): chr10:43,111,320, G>T. VCF-style: chr10-43111320-G-T. GRCh37 (hg19) VCF-style: chr10-43606768-G-T.
Other names: c.1377G>T, p.Glu459Asp (NM_000323.2, NM_001406743.1, NM_001406744.1 and 6 more transcripts); c.615G>T, p.Glu205Asp (NM_001355216.2); c.1248G>T, p.Glu416Asp (NM_001406761.1, NM_001406762.1, NM_001406764.1 and 1 more transcripts); c.1089G>T, p.Glu363Asp (NM_001406766.1, NM_001406767.1, NM_001406770.1); c.981G>T, p.Glu327Asp (NM_001406769.1, NM_001406772.1); c.939G>T, p.Glu313Asp (NM_001406771.1, NM_001406773.1); c.852G>T, p.Glu284Asp (NM_001406774.1); c.651G>T, p.Glu217Asp (NM_001406775.1, NM_001406776.1, NM_001406777.1 and 1 more transcripts); and 1 more; short protein forms E459D, E205D, E284D, E313D, E129D, E327D, E416D, E217D.
Identifiers: ClinVar variation 584747 (VCV000584747.12), dbSNP rs1564494424, ClinGen allele CA376549286.

ClinVar aggregate classification (germline): Uncertain significance. Review status: criteria provided, multiple submitters, no conflicts (2 of 4 stars). 2 submissions from 2 submitters: Uncertain significance (2). Last evaluated 2020-06-03.

Conditions:
Multiple endocrine neoplasia, type 2 (MEN2). Identifiers: Orphanet 653, MedGen C4048306, MONDO:0019003. Disease mechanism: gain of function.
Multiple endocrine neoplasia type 2A. Also called: MULTIPLE ENDOCRINE NEOPLASIA, TYPE IIA; PTC SYNDROME; SIPPLE SYNDROME; MEN 2A; MEN-2A syndrome; Pheochromocytoma and amyloid producing medullary thyroid carcinoma. Identifiers: Orphanet 247698, Orphanet 653, MedGen C0025268, MeSH D018813, MONDO:0008234, OMIM 171400.

Submissions (2):

Labcorp Genetics (formerly Invitae), Labcorp
Classification: Uncertain significance for Multiple endocrine neoplasia, type 2. Last evaluated: 2020-06-03. Review status: criteria provided, single submitter. Criteria: Invitae Variant Classification Sherloc (09022015). Collection method: clinical testing. Allele origin: germline.
Comment: This sequence change replaces glutamic acid with aspartic acid at codon 459 of the RET protein (p.Glu459Asp). The glutamic acid residue is moderately conserved and there is a small physicochemical difference between glutamic acid and aspartic acid. This variant is not present in population databases (ExAC no frequency). This variant has not been reported in the literature in individuals with RET-related conditions. ClinVar contains an entry for this variant (Variation ID: 584747). Algorithms developed to predict the effect of missense changes on protein structure and function (SIFT, PolyPhen-2, Align-GVGD) all suggest that this variant is likely to be tolerated, but these predictions have not been confirmed by published functional studies and their clinical significance is uncertain. In summary, the available evidence is currently insufficient to determine the role of this variant in disease. Therefore, it has been classified as a Variant of Uncertain Significance.

Mendelics
Classification: Uncertain significance for Multiple endocrine neoplasia, type 2a. Last evaluated: 2018-07-02. Review status: criteria provided, single submitter. Criteria: Mendelics Assertion Criteria 2017. Collection method: clinical testing. Allele origin: unknown.